The following is an entry in ClinVar:

NM_030632.3(ASXL3):c.6060A>G (p.Pro2020=)

Gene: ASXL3 (ASXL transcriptional regulator 3; plus strand). Cytogenetic location: 18q12.1.
Variant type: single nucleotide variant.
Coding change: c.6060A>G on transcript NM_030632.3 (MANE Select); coding-DNA position 6060, A replaced by G.
Protein change: p.Pro2020=; no amino-acid change (proline 2020 retained).
Molecular consequence: synonymous variant.
Genome position (GRCh38, 1-based): chr18:33,745,908, A>G. VCF-style: chr18-33745908-A-G. GRCh37 (hg19) VCF-style: chr18-31325872-A-G.
Identifiers: ClinVar variation 3771391 (VCV003771391.14).

ClinVar aggregate classification (germline): Likely benign. Review status: criteria provided, multiple submitters, no conflicts (2 of 4 stars). 2 submissions from 2 submitters: Likely benign (2). Last evaluated 2026-04-01.

gnomAD v4.1: 103 of 1,526,828 alleles (0.0067%); highest among the groups gnomAD compares: East Asian, 0.026%; no homozygotes.

Submissions (2):

CeGaT Center for Human Genetics Tuebingen
Classification: Likely benign. Last evaluated: 2026-04-01. Review status: criteria provided, single submitter. Criteria: CeGaT Center For Human Genetics Tuebingen Variant Classification Criteria Version 2. Collection method: clinical testing. Allele origin: germline. Affected: yes. Observed: 2 variant alleles.
Comment: ASXL3: BP4, BP7

Blueprint Genetics
Classification: Likely benign. Last evaluated: 2024-09-10. Review status: criteria provided, single submitter. Criteria: ACMG Guidelines, 2015. Collection method: clinical testing. Allele origin: germline.